The following is an entry in ClinVar:

ClinVar aggregate classification (germline): Uncertain significance (1 of 4 stars; one submission).

Conditions:
Sialuria. Also called: SIALURIA, FRENCH TYPE; Sialic Acid Storage Disease. Identifiers: Orphanet 3166, MedGen C0342853, MONDO:0010028, OMIM 269921.
GNE myopathy (NM). Also called: NONAKA DISTAL MYOPATHY; INCLUSION BODY MYOPATHY, HEREDITARY, AUTOSOMAL RECESSIVE; INCLUSION BODY MYOPATHY 2, AUTOSOMAL RECESSIVE; MYOPATHY, DISTAL, WITH OR WITHOUT RIMMED VACUOLES; IBM 2; Inclusion body myopathy autosomal recessive. Identifiers: Orphanet 602, MedGen C1853926, MONDO:0011603, OMIM 605820.

Submission:

Labcorp Genetics (formerly Invitae), Labcorp
Classification: Uncertain significance for Sialuria; GNE myopathy. Last evaluated: 2023-03-16. Review status: criteria provided, single submitter. Criteria: Invitae Variant Classification Sherloc (09022015). Collection method: clinical testing. Allele origin: germline.
Comment: In summary, the available evidence is currently insufficient to determine the role of this variant in disease. Therefore, it has been classified as a Variant of Uncertain Significance. Advanced modeling of protein sequence and biophysical properties (such as structural, functional, and spatial information, amino acid conservation, physicochemical variation, residue mobility, and thermodynamic stability) has been performed at Invitae for this missense variant, however the output from this modeling did not meet the statistical confidence thresholds required to predict the impact of this variant on GNE protein function. This variant has not been reported in the literature in individuals affected with GNE-related conditions. This variant is not present in population databases (gnomAD no frequency). This sequence change replaces leucine, which is neutral and non-polar, with isoleucine, which is neutral and non-polar, at codon 664 of the GNE protein (p.Leu664Ile).

NM_005476.7(GNE):c.1897C>A (p.Leu633Ile)

Gene: GNE (glucosamine (UDP-N-acetyl)-2-epimerase/N-acetylmannosamine kinase; minus strand). Cytogenetic location: 9p13.3.
Variant type: single nucleotide variant.
Coding change: c.1897C>A on transcript NM_005476.7 (MANE Select); coding-DNA position 1897, C replaced by A.
Protein change: p.Leu633Ile; replaces leucine 633 with isoleucine.
Molecular consequence: missense variant.
Genome position (GRCh38, 1-based): chr9:36,218,219, G>T on the plus strand (C>A on the coding strand, the complement: GNE is on the minus strand). VCF-style: chr9-36218219-G-T. GRCh37 (hg19) VCF-style: chr9-36218216-G-T.
Other names: c.1990C>A, p.Leu664Ile (NM_001128227.3); c.1675C>A, p.Leu559Ile (NM_001190383.3); c.1567C>A, p.Leu523Ile (NM_001190384.3); c.1720C>A, p.Leu574Ile (NM_001190388.2, NM_001374798.1); c.1744C>A, p.Leu582Ile (NM_001374797.1); short protein forms L523I, L582I, L633I, L574I, L559I, L664I.
Identifiers: ClinVar variation 2928198 (VCV002928198.3), dbSNP rs2489591195, ClinGen allele CA373425023.
Genomic context (GRCh38, chr9:36,218,219, plus strand): 5'-AGCCACCTGCAGCCACATGCTCACCTGTTCTTAGGATGCTCTGGGCCTTCGCATTGCCAA[G>T]TTTCGCAGCTTGGATGAGATGGAGCGCACCCACAGCCTCATCTTTTGGCACTGACATCCC-3'
Protein context (NP_005467.1, residues 623-643): GALHLIQAAK[Leu633Ile]GNAKAQSILR